The following is an entry in ClinVar:

ClinVar aggregate classification (germline): Uncertain significance (1 of 4 stars; one submission).

Conditions:
Hereditary breast ovarian cancer syndrome. Also called: Hereditary breast and ovarian cancer syndrome; Hereditary breast and ovarian cancer; Hereditary breast and ovarian cancer syndrome (HBOC); Hereditary breast and/or ovarian cancer syndrome; Breast and ovarian cancer; BRCA1- and BRCA2-Associated Hereditary Breast and Ovarian Cancer. Identifiers: Orphanet 145, MedGen C0677776, MeSH D061325, MONDO:0003582. Disease mechanism: loss of function.

Submission:

Labcorp Genetics (formerly Invitae), Labcorp
Classification: Uncertain significance for Hereditary breast ovarian cancer syndrome. Last evaluated: 2023-06-27. Review status: criteria provided, single submitter. Criteria: Invitae Variant Classification Sherloc (09022015). Collection method: clinical testing. Allele origin: germline.
Comment: In summary, the available evidence is currently insufficient to determine the role of this variant in disease. Therefore, it has been classified as a Variant of Uncertain Significance. Variants that disrupt the consensus splice site are a relatively common cause of aberrant splicing (PMID: 17576681, 9536098). Algorithms developed to predict the effect of sequence changes on RNA splicing suggest that this variant may disrupt the consensus splice site. This variant has not been reported in the literature in individuals affected with BRCA2-related conditions. This variant is not present in population databases (gnomAD no frequency). This variant occurs in a non-coding region of the BRCA2 gene. It does not change the encoded amino acid sequence of the BRCA2 protein. It affects a nucleotide within the consensus splice site.

Literature cited by the submitters: PubMed 17576681; PubMed 9536098.

NM_000059.4(BRCA2):c.-40+5G>C

Genes: BRCA2 (BRCA2 DNA repair associated; plus strand), LOC106721785 (BRCA2 promoter/silencer region; plus strand). Cytogenetic location: 13q13.1.
Variant type: single nucleotide variant.
Coding change: c.-40+5G>C on transcript NM_000059.4 (MANE Select); 5 bases into the intron after 40 bases upstream of the start codon, G replaced by C.
Molecular consequence: intron variant.
Genome position (GRCh38, 1-based): chr13:32,315,672, G>C. VCF-style: chr13-32315672-G-C. GRCh37 (hg19) VCF-style: chr13-32889809-G-C.
Other names: c.-40+5G>C (NM_001406720.1, NM_001406719.1, NM_001406721.1); c.-303+5G>C (NM_001406722.1).
Identifiers: ClinVar variation 2715935 (VCV002715935.3), dbSNP rs930825419, ClinGen allele CA2622597090.